The following is an entry in ClinVar:

ClinVar aggregate classification (germline): Uncertain significance (1 of 4 stars; one submission).

Submission:

GeneDx
Classification: Uncertain significance. Last evaluated: 2024-08-05. Review status: criteria provided, single submitter. Criteria: GeneDx Variant Classification Process June 2021. Collection method: clinical testing. Allele origin: germline. Affected: yes.
Comment: Not observed at significant frequency in large population cohorts (gnomAD); In silico analysis indicates that this missense variant does not alter protein structure/function; Has not been previously published as pathogenic or benign to our knowledge

NM_015100.4(POGZ):c.3976G>T (p.Ala1326Ser)

Gene: POGZ (pogo transposable element derived with ZNF domain; minus strand). Cytogenetic location: 1q21.3.
Variant type: single nucleotide variant.
Coding change: c.3976G>T on transcript NM_015100.4 (MANE Select); coding-DNA position 3976, G replaced by T.
Protein change: p.Ala1326Ser; replaces alanine 1326 with serine.
Molecular consequence: missense variant.
Genome position (GRCh38, 1-based): chr1:151,405,059, C>A on the plus strand (G>T on the coding strand, the complement: POGZ is on the minus strand). VCF-style: chr1-151405059-C-A. GRCh37 (hg19) VCF-style: chr1-151377535-C-A.
Other names: c.3949G>T, p.Ala1317Ser (NM_001194937.2); c.3790G>T, p.Ala1264Ser (NM_001194938.2); c.3997G>T, p.Ala1333Ser (NM_001410860.1); c.3691G>T, p.Ala1231Ser (NM_145796.4); c.3817G>T, p.Ala1273Ser (NM_207171.2); short protein forms A1231S, A1264S, A1273S, A1317S, A1326S, A1333S.
Identifiers: ClinVar variation 3603167 (VCV003603167.1).
Genomic context (GRCh38, chr1:151,405,059, plus strand): 5'-GCATGTCAGCATTTCTTGTAGGTGAGTTAATGTTGCCATCGGGGCCAGGCAGAACACTAG[C>A]CACCAGGAAGGAGCGCTGAACTAGCTCTGGACAGTCCCCAATGACACCTAGCACTTCACC-3'
Protein context (NP_055915.2, residues 1316-1336): PELVQRSFLV[Ala1326Ser]SVLPGPDGNI